The following is an entry in ClinVar:

NM_000059.4(BRCA2):c.1983C>G (p.Ser661Arg)

Gene: BRCA2 (BRCA2 DNA repair associated; plus strand). Cytogenetic location: 13q13.1.
Variant type: single nucleotide variant.
Coding change: c.1983C>G on transcript NM_000059.4 (MANE Select); coding-DNA position 1983, C replaced by G.
Protein change: p.Ser661Arg; replaces serine 661 with arginine.
Molecular consequence: missense variant. On other transcripts: non-coding transcript variant (1), intron variant (2).
Genome position (GRCh38, 1-based): chr13:32,336,338, C>G. VCF-style: chr13-32336338-C-G. GRCh37 (hg19) VCF-style: chr13-32910475-C-G.
Other names: c.1983C>G, p.Ser661Arg (NM_001406719.1, NM_001406720.1, NM_001432077.1); c.1909+2951C>G (NM_001406721.1); c.424+5308C>G (NM_001406722.1); short protein forms S661R.
Identifiers: ClinVar variation 4802281 (VCV004802281.1).
Genomic context (GRCh38, chr13:32,336,338, plus strand): 5'-TTCTGTGAAAAGAAGCTGTTCACAGAATGATTCTGAAGAACCAACTTTGTCCTTAACTAG[C>G]TCTTTTGGGACAATTCTGAGGAAATGTTCTAGAAATGAAACATGTTCTAATAATACAGTA-3'
Protein context (NP_000050.3, residues 651-671): DSEEPTLSLT[Ser661Arg]SFGTILRKCS

ClinVar aggregate classification (germline): Uncertain significance (1 of 4 stars; one submission).

Conditions:
Hereditary breast ovarian cancer syndrome. Also called: Hereditary breast and ovarian cancer syndrome (HBOC); Hereditary breast and ovarian cancer; Breast and ovarian cancer; Hereditary breast and/or ovarian cancer syndrome; BRCA1- and BRCA2-Associated Hereditary Breast and Ovarian Cancer; Hereditary breast and ovarian cancer syndrome. Identifiers: Orphanet 145, MedGen C0677776, MeSH D061325, MONDO:0003582. Disease mechanism: loss of function.

Submission:

Labcorp Genetics (formerly Invitae), Labcorp
Classification: Uncertain significance for Hereditary breast ovarian cancer syndrome. Last evaluated: 2025-08-11. Review status: criteria provided, single submitter. Criteria: Invitae Variant Classification Sherloc (09022015). Collection method: clinical testing. Allele origin: germline.
Comment: This sequence change replaces serine, which is neutral and polar, with arginine, which is basic and polar, at codon 661 of the BRCA2 protein (p.Ser661Arg). This variant is not present in population databases (gnomAD no frequency). This variant has not been reported in the literature in individuals affected with BRCA2-related conditions. Invitae Evidence Modeling of protein sequence and biophysical properties (such as structural, functional, and spatial information, amino acid conservation, physicochemical variation, residue mobility, and thermodynamic stability) indicates that this missense variant is not expected to disrupt BRCA2 protein function with a negative predictive value of 95%. In summary, the available evidence is currently insufficient to determine the role of this variant in disease. Therefore, it has been classified as a Variant of Uncertain Significance.